The following is an entry in ClinVar:

ClinVar aggregate classification (germline): Uncertain significance (1 of 4 stars; one submission).

Submission:

Labcorp Genetics (formerly Invitae), Labcorp
Classification: Uncertain significance. Last evaluated: 2022-04-28. Review status: criteria provided, single submitter. Criteria: Invitae Variant Classification Sherloc (09022015). Collection method: clinical testing. Allele origin: germline.
Comment: This sequence change replaces glutamine, which is neutral and polar, with arginine, which is basic and polar, at codon 60 of the NUBPL protein (p.Gln60Arg). This variant is not present in population databases (gnomAD no frequency). This variant has not been reported in the literature in individuals affected with NUBPL-related conditions. Algorithms developed to predict the effect of missense changes on protein structure and function (SIFT, PolyPhen-2, Align-GVGD) all suggest that this variant is likely to be tolerated. In summary, the available evidence is currently insufficient to determine the role of this variant in disease. Therefore, it has been classified as a Variant of Uncertain Significance.

NM_025152.3(NUBPL):c.179A>G (p.Gln60Arg)

Gene: NUBPL (NUBP iron-sulfur cluster assembly factor, mitochondrial; plus strand). Cytogenetic location: 14q12.
Variant type: single nucleotide variant.
Coding change: c.179A>G on transcript NM_025152.3 (MANE Select); coding-DNA position 179, A replaced by G.
Protein change: p.Gln60Arg; replaces glutamine 60 with arginine.
Molecular consequence: missense variant. On other transcripts: non-coding transcript variant (1).
Genome position (GRCh38, 1-based): chr14:31,562,138, A>G. VCF-style: chr14-31562138-A-G. GRCh37 (hg19) VCF-style: chr14-32031344-A-G.
Other names: short protein forms Q60R.
Identifiers: ClinVar variation 1938838 (VCV001938838.5), dbSNP rs2502348714, ClinGen allele CA389481845.
Genomic context (GRCh38, chr14:31,562,138, plus strand): 5'-CCGGGAGTGAGACCCTAAAACAAAGAAGAACACAAATCATGTCCCGAGGACTTCCAAAGC[A>G]GAAACCGATAGAAGGTGTTAAACAAGTTATAGTTGTGGCTTCTGGAAAGGGTGGAGTCGG-3'
Protein context (NP_079428.2, residues 50-70): TQIMSRGLPK[Gln60Arg]KPIEGVKQVI